The following is an entry in ClinVar:

NM_002775.5(HTRA1):c.1388G>A (p.Arg463His)

Gene: HTRA1 (HtrA serine peptidase 1; plus strand). Cytogenetic location: 10q26.13.
Variant type: single nucleotide variant.
Coding change: c.1388G>A on transcript NM_002775.5 (MANE Select); coding-DNA position 1388, G replaced by A.
Protein change: p.Arg463His; replaces arginine 463 with histidine.
Molecular consequence: missense variant.
Genome position (GRCh38, 1-based): chr10:122,514,304, G>A. VCF-style: chr10-122514304-G-A. GRCh37 (hg19) VCF-style: chr10-124273820-G-A.
Other names: c.1388G>A (NM_002775.4); short protein forms R463H.
Identifiers: ClinVar variation 1899883 (VCV001899883.6), dbSNP rs781055637, ClinGen allele CA5726171.

ClinVar aggregate classification (germline): Uncertain significance. Review status: criteria provided, multiple submitters, no conflicts (2 of 4 stars). 2 submissions from 2 submitters: Uncertain significance (2). Last evaluated 2025-08-08.

Conditions:
Inborn genetic diseases. Identifiers: MedGen C0950123, MeSH D030342.

Allele frequency attached by ClinVar (database versions not stated): TOPMed below 0.00001; gnomAD exomes 0.00001; ExAC 0.00002.
gnomAD v4.1: 11 of 1,614,090 alleles (0.00068%); highest among the groups gnomAD compares: South Asian, 0.0044%; no homozygotes.

Submissions (2):

Ambry Genetics
Classification: Uncertain significance for Inborn genetic diseases. Last evaluated: 2025-08-08. Review status: criteria provided, single submitter. Criteria: Ambry Variant Classification Scheme 2023. Collection method: clinical testing. Allele origin: germline.

Labcorp Genetics (formerly Invitae), Labcorp
Classification: Uncertain significance. Last evaluated: 2024-07-01. Review status: criteria provided, single submitter. Criteria: Invitae Variant Classification Sherloc (09022015). Collection method: clinical testing. Allele origin: germline.
Comment: This sequence change replaces arginine, which is basic and polar, with histidine, which is basic and polar, at codon 463 of the HTRA1 protein (p.Arg463His). This variant is present in population databases (rs781055637, gnomAD 0.006%). This variant has not been reported in the literature in individuals affected with HTRA1-related conditions. ClinVar contains an entry for this variant (Variation ID: 1899883). Advanced modeling of protein sequence and biophysical properties (such as structural, functional, and spatial information, amino acid conservation, physicochemical variation, residue mobility, and thermodynamic stability) performed at Invitae indicates that this missense variant is not expected to disrupt HTRA1 protein function with a negative predictive value of 80%. In summary, the available evidence is currently insufficient to determine the role of this variant in disease. Therefore, it has been classified as a Variant of Uncertain Significance.